The following is an entry in ClinVar:

ClinVar aggregate classification (germline): Benign/Likely benign. Review status: criteria provided, multiple submitters, no conflicts (2 of 4 stars). 5 submissions from 5 submitters: Benign (1); Likely benign (4). Last evaluated 2026-01-28.

Conditions:
HYCC1-related disorder. Also called: HYCC1-related condition.
Hypomyelination and Congenital Cataract (HLD5). Also called: hypomyelinating leukodystrophy 5. Identifiers: Orphanet 85163, MedGen C1864663, MONDO:0012514, OMIM 610532.

Allele frequency attached by ClinVar (database versions not stated): gnomAD 0.00018 and 0.00027; gnomAD exomes 0.00019 and 0.00067; TOPMed 0.00028; ExAC 0.00063; 1000 Genomes Project 30x 0.00172; 1000 Genomes Project 0.00180.
gnomAD v4.1: 334 of 1,613,692 alleles (0.021%); highest among the groups gnomAD compares: East Asian, 0.62%; 1 homozygote.

Submissions (5):

Labcorp Genetics (formerly Invitae), Labcorp
Classification: Benign for Hypomyelination and Congenital Cataract. Last evaluated: 2026-01-28. Review status: criteria provided, single submitter. Criteria: Invitae Variant Classification Sherloc (09022015). Collection method: clinical testing. Allele origin: germline.

PreventionGenetics, part of Exact Sciences
Classification: Likely benign for HYCC1-related condition. Last evaluated: 2025-07-17. Review status: criteria provided, single submitter. Criteria: ACMG Guidelines, 2015. Collection method: clinical testing. Allele origin: germline.
Comment: This variant is classified as likely benign based on ACMG/AMP sequence variant interpretation guidelines (Richards et al. 2015 PMID: 25741868, with internal and published modifications).

Blueprint Genetics
Classification: Likely benign. Last evaluated: 2024-07-10. Review status: criteria provided, single submitter. Criteria: ACMG Guidelines, 2015. Collection method: clinical testing. Allele origin: germline.

GeneDx
Classification: Likely benign. Last evaluated: 2019-08-26. Review status: criteria provided, single submitter. Criteria: GeneDx Variant Classification Process June 2021. Collection method: clinical testing. Allele origin: germline. Affected: yes.
Comment: In silico analysis, which includes protein predictors and evolutionary conservation, supports that this variant does not alter protein structure/function; Has not been previously published as pathogenic or benign to our knowledge

Illumina Laboratory Services, Illumina
Classification: Likely benign for Hypomyelination and Congenital Cataract. Last evaluated: 2018-01-12. Review status: criteria provided, single submitter. Criteria: ICSL Variant Classification Criteria 13 December 2019. Collection method: clinical testing. Allele origin: germline.
Comment: This variant was observed in the ICSL laboratory as part of a predisposition screen in an ostensibly healthy population. It had not been previously curated by ICSL or reported in the Human Gene Mutation Database (HGMD: prior to June 1st, 2018), and was therefore a candidate for classification through an automated scoring system. Utilizing variant allele frequency, disease prevalence and penetrance estimates, and inheritance mode, an automated score was calculated to assess if this variant is too frequent to cause the disease. Based on the score and internal cut-off values, a variant classified as likely benign is not then subjected to further curation. The score for this variant resulted in a classification of likely benign for this disease.

NM_032581.4(HYCC1):c.1171G>C (p.Gly391Arg)

Gene: HYCC1 (hyccin PI4KA lipid kinase complex subunit 1; minus strand). Cytogenetic location: 7p15.3.
Variant type: single nucleotide variant.
Coding change: c.1171G>C on transcript NM_032581.4 (MANE Select); coding-DNA position 1171, G replaced by C.
Protein change: p.Gly391Arg; replaces glycine 391 with arginine.
Molecular consequence: missense variant. On other transcripts: 3 prime UTR variant (2).
Genome position (GRCh38, 1-based): chr7:22,945,984, C>G on the plus strand (G>C on the coding strand, the complement: HYCC1 is on the minus strand). VCF-style: chr7-22945984-C-G. GRCh37 (hg19) VCF-style: chr7-22985603-C-G.
Other names: c.*207G>C (NM_001363466.2); c.*165G>C (NM_001363467.2); short protein forms G391R.
Identifiers: ClinVar variation 359772 (VCV000359772.18), dbSNP rs146591904, ClinGen allele CA4185777.